The following is an entry in ClinVar:

NM_004006.3(DMD):c.3088A>C (p.Lys1030Gln)

Gene: DMD (dystrophin; minus strand). Cytogenetic location: Xp21.1.
Variant type: single nucleotide variant.
Coding change: c.3088A>C on transcript NM_004006.3 (MANE Select); coding-DNA position 3088, A replaced by C.
Protein change: p.Lys1030Gln; replaces lysine 1030 with glutamine.
Molecular consequence: missense variant.
Genome position (GRCh38, 1-based): chrX:32,468,572, T>G on the plus strand (A>C on the coding strand, the complement: DMD is on the minus strand). VCF-style: chrX-32468572-T-G. GRCh37 (hg19) VCF-style: chrX-32486689-T-G.
Other names: c.3064A>C, p.Lys1022Gln (NM_000109.4); c.3076A>C, p.Lys1026Gln (NM_004009.3); c.2719A>C, p.Lys907Gln (NM_004010.3); short protein forms K1022Q, K1026Q, K1030Q, K907Q.
Identifiers: ClinVar variation 1714618 (VCV001714618.6), dbSNP rs2148459492, ClinGen allele CA412666897.
Genomic context (GRCh38, chrX:32,468,572, plus strand): 5'-GTTTATTCATTTGCTCCTCTAGCTTTTGACAATGCTCAACCAGCTGGGAGGAGAGCTTCT[T>G]CCAGCGTCCCTCAATTTCTTCAAATTCTGATTGATATTTCCGGCTAATTTCAGAGGGCGC-3'
Protein context (NP_003997.2, residues 1020-1040): SEFEEIEGRW[Lys1030Gln]KLSSQLVEHC

ClinVar aggregate classification (germline): Uncertain significance (1 of 4 stars; one submission).

Conditions:
Duchenne muscular dystrophy (DMD). Also called: MUSCULAR DYSTROPHY, PSEUDOHYPERTROPHIC PROGRESSIVE, DUCHENNE TYPE; Duchenne Muscular Dystrophy (DMD). Identifiers: Orphanet 98896, MedGen C0013264, MONDO:0010679, OMIM 310200.

Submission:

Labcorp Genetics (formerly Invitae), Labcorp
Classification: Uncertain significance for Duchenne muscular dystrophy. Last evaluated: 2022-07-31. Review status: criteria provided, single submitter. Criteria: Invitae Variant Classification Sherloc (09022015). Collection method: clinical testing. Allele origin: germline.
Comment: In summary, the available evidence is currently insufficient to determine the role of this variant in disease. Therefore, it has been classified as a Variant of Uncertain Significance. Algorithms developed to predict the effect of missense changes on protein structure and function are either unavailable or do not agree on the potential impact of this missense change (SIFT: "Tolerated"; PolyPhen-2: "Probably Damaging"; Align-GVGD: "Class C0"). This sequence change replaces lysine, which is basic and polar, with glutamine, which is neutral and polar, at codon 1030 of the DMD protein (p.Lys1030Gln). This variant is not present in population databases (gnomAD no frequency). This variant has not been reported in the literature in individuals affected with DMD-related conditions.